The following is an entry in ClinVar:

NM_017849.4(TMEM127):c.541dup (p.Ala181fs)

Gene: TMEM127 (transmembrane protein 127; minus strand). Cytogenetic location: 2q11.2.
Variant type: Duplication.
Coding change: c.541dup on transcript NM_017849.4 (MANE Select); coding-DNA position 541, one base duplicated (G; older notation c.541dupG).
Protein change: p.Ala181fs; shifts the reading frame from alanine 181.
Molecular consequence: frameshift variant.
Genome position (GRCh38, 1-based): chr2:96,253,984, C duplicated on the plus strand (G on the coding strand, the reverse complement: TMEM127 is on the minus strand); the first of 2 consecutive C bases (chr2:96,253,984-96,253,985); duplicating either gives the same sequence. VCF-style (leftmost placement, unchanged base first): chr2-96253983-G-GC. GRCh37 (hg19) VCF-style: chr2-96919721-G-GC.
Other names: c.541dup, p.Ala181fs (NM_001193304.3); c.289dup, p.Ala97fs (NM_001407282.1, NM_001407283.1); c.541dupG (NM_017849.3); short protein forms A181fs, A97fs.
Identifiers: ClinVar variation 2563319 (VCV002563319.2), dbSNP rs2467263597, ClinGen allele CA2580611366.

ClinVar aggregate classification (germline): Likely pathogenic (1 of 4 stars; one submission).

Conditions:
Hereditary cancer-predisposing syndrome. Also called: Neoplastic Syndromes, Hereditary; Hereditary Cancer Syndrome; Hereditary neoplastic syndrome; Tumor predisposition. Identifiers: Orphanet 140162, MedGen C0027672, MeSH D009386, MONDO:0015356.

Submission:

Ambry Genetics
Classification: Likely pathogenic for Hereditary cancer-predisposing syndrome. Last evaluated: 2023-05-03. Review status: criteria provided, single submitter. Criteria: Ambry Variant Classification Scheme 2023. Collection method: clinical testing. Allele origin: germline.
Comment: The c.541dupG variant, located in coding exon 3 of the TMEM127 gene, results from a duplication of G at nucleotide position 541, causing a translational frameshift with a predicted alternate stop codon (p.A181Gfs*45). This alteration occurs at the 3' terminus of theTMEM127 gene, is not expected to trigger nonsense-mediated mRNA decay, and only impacts the last 58 amino acids (24%) of the protein. However, premature stop codons are typically deleterious in nature, a significant portion of the protein is affected, and the impacted region is critical for protein function (Ambry internal data). This variant is considered to be rare based on population cohorts in the Genome Aggregation Database (gnomAD). Based on the majority of available evidence to date, this variant is likely to be pathogenic.